The following is an entry in ClinVar:

NM_006516.4(SLC2A1):c.521T>G (p.Phe174Cys)

Gene: SLC2A1 (solute carrier family 2 member 1; minus strand). Cytogenetic location: 1p34.2.
Variant type: single nucleotide variant.
Coding change: c.521T>G on transcript NM_006516.4 (MANE Select); coding-DNA position 521, T replaced by G.
Protein change: p.Phe174Cys; replaces phenylalanine 174 with cysteine.
Molecular consequence: missense variant.
Genome position (GRCh38, 1-based): chr1:42,930,031, A>C on the plus strand (T>G on the coding strand, the complement: SLC2A1 is on the minus strand). VCF-style: chr1-42930031-A-C. GRCh37 (hg19) VCF-style: chr1-43395702-A-C.
Other names: short protein forms F174C.
Identifiers: ClinVar variation 844074 (VCV000844074.10), dbSNP rs1643471482, ClinGen allele CA339958938.

ClinVar aggregate classification (germline): Uncertain significance (1 of 4 stars; one submission).

Conditions:
GLUT1 deficiency syndrome 1, autosomal recessive. Identifiers: MedGen C3149117.

Submission:

Labcorp Genetics (formerly Invitae), Labcorp
Classification: Uncertain significance for GLUT1 deficiency syndrome 1, autosomal recessive. Last evaluated: 2019-02-17. Review status: criteria provided, single submitter. Criteria: Invitae Variant Classification Sherloc (09022015). Collection method: clinical testing. Allele origin: germline.
Comment: This variant is not present in population databases (ExAC no frequency). This sequence change replaces phenylalanine with cysteine at codon 174 of the SLC2A1 protein (p.Phe174Cys). The phenylalanine residue is moderately conserved and there is a large physicochemical difference between phenylalanine and cysteine. This variant has not been reported in the literature in individuals with SLC2A1-related conditions. Algorithms developed to predict the effect of missense changes on protein structure and function are either unavailable or do not agree on the potential impact of this missense change (SIFT: "Deleterious"; PolyPhen-2: "Probably Damaging"; Align-GVGD: "Class C0"). Algorithms developed to predict the effect of sequence changes on RNA splicing suggest that this variant may create or strengthen a splice site, but this prediction has not been confirmed by published transcriptional studies. In summary, the available evidence is currently insufficient to determine the role of this variant in disease. Therefore, it has been classified as a Variant of Uncertain Significance.